The following is an entry in ClinVar:

ClinVar aggregate classification (germline): Uncertain significance (1 of 4 stars; one submission).

Conditions:
Oculodentodigital dysplasia, autosomal recessive. Also called: OCULODENTOOSSEOUS DYSPLASIA, AUTOSOMAL RECESSIVE; ODDD, AUTOSOMAL RECESSIVE; ODOD, AUTOSOMAL RECESSIVE. Identifiers: Orphanet 2710, MedGen C2749477, MONDO:0009768, OMIM 257850.

Submission:

Labcorp Genetics (formerly Invitae), Labcorp
Classification: Uncertain significance for Oculodentodigital dysplasia, autosomal recessive. Last evaluated: 2023-11-21. Review status: criteria provided, single submitter. Criteria: Invitae Variant Classification Sherloc (09022015). Collection method: clinical testing. Allele origin: germline.
Comment: This sequence change replaces glycine, which is neutral and non-polar, with alanine, which is neutral and non-polar, at codon 120 of the GJA1 protein (p.Gly120Ala). This variant is not present in population databases (gnomAD no frequency). This variant has not been reported in the literature in individuals affected with GJA1-related conditions. Advanced modeling of protein sequence and biophysical properties (such as structural, functional, and spatial information, amino acid conservation, physicochemical variation, residue mobility, and thermodynamic stability) performed at Invitae indicates that this missense variant is not expected to disrupt GJA1 protein function with a negative predictive value of 80%. In summary, the available evidence is currently insufficient to determine the role of this variant in disease. Therefore, it has been classified as a Variant of Uncertain Significance.

NM_000165.5(GJA1):c.359G>C (p.Gly120Ala)

Gene: GJA1 (gap junction protein alpha 1; plus strand). Cytogenetic location: 6q22.31.
Variant type: single nucleotide variant.
Coding change: c.359G>C on transcript NM_000165.5 (MANE Select); coding-DNA position 359, G replaced by C.
Protein change: p.Gly120Ala; replaces glycine 120 with alanine.
Molecular consequence: missense variant.
Genome position (GRCh38, 1-based): chr6:121,447,206, G>C. VCF-style: chr6-121447206-G-C. GRCh37 (hg19) VCF-style: chr6-121768352-G-C.
Other names: short protein forms G120A.
Identifiers: ClinVar variation 2866250 (VCV002866250.3), dbSNP rs2536821677, ClinGen allele CA365558827.